The following is an entry in ClinVar:

ClinVar aggregate classification (germline): Pathogenic (3 of 4 stars; one submission).

Conditions:
Breast-ovarian cancer, familial, susceptibility to, 2 (BROVCA2). Also called: BRCA2 Hereditary Breast and Ovarian Cancer. Identifiers: Orphanet 145, MedGen C2675520, MONDO:0012933, OMIM 612555. Disease mechanism: loss of function.

Submission:

Evidence-based Network for the Interpretation of Germline Mutant Alleles (ENIGMA)
Classification: Pathogenic for Breast-ovarian cancer, familial, susceptibility to, 2. Last evaluated: 2016-10-18. Review status: reviewed by expert panel. Criteria: ENIGMA BRCA1/2 Classification Criteria (2015). Collection method: curation. Allele origin: germline.
Comment: Variant allele predicted to encode a truncated non-functional protein.

NM_000059.4(BRCA2):c.5623A>T (p.Lys1875Ter)

Gene: BRCA2 (BRCA2 DNA repair associated; plus strand). Cytogenetic location: 13q13.1.
Variant type: single nucleotide variant.
Coding change: c.5623A>T on transcript NM_000059.4 (MANE Select); coding-DNA position 5623, A replaced by T.
Protein change: p.Lys1875Ter; replaces lysine 1875 with a stop codon.
Molecular consequence: nonsense.
Genome position (GRCh38, 1-based): chr13:32,339,978, A>T. VCF-style: chr13-32339978-A-T. GRCh37 (hg19) VCF-style: chr13-32914115-A-T.
Other names: 5851A>T (K1875X); short protein forms K1875*.
Identifiers: ClinVar variation 266885 (VCV000266885.5), dbSNP rs886040600, ClinGen allele CA10589322.
Genomic context (GRCh38, chr13:32,339,978, plus strand): 5'-TCACATGAAACAATTAAAAAAGTGAAAGACATATTTACAGACAGTTTCAGTAAAGTAATT[A>T]AGGAAAACAACGAGAATAAATCAAAAATTTGCCAAACGAAAATTATGGCAGGTTGTTACG-3'